The following is an entry in ClinVar:

ClinVar aggregate classification (germline): Uncertain significance (1 of 4 stars; one submission).

gnomAD v4.1: 1 of 1,612,904 alleles (0.000062%); highest among the groups gnomAD compares: Non-Finnish European, 0.000085%; no homozygotes.

Submission:

Ambry Genetics
Classification: Uncertain significance. Last evaluated: 2026-02-04. Review status: criteria provided, single submitter. Criteria: Ambry Variant Classification Scheme 2023. Collection method: clinical testing. Allele origin: germline.
Comment: The p.R389* variant (also known as c.1165C>T), located in coding exon 6 of the PALLD gene, results from a C to T substitution at nucleotide position 1165. This changes the amino acid from an arginine to a stop codon within coding exon 6. The evidence for this gene-disease relationship is limited; therefore, the clinical significance of this variant is unclear.

NM_001166108.2(PALLD):c.2677C>T (p.Arg893Ter)

Genes: CBR4 (carbonyl reductase 4; minus strand), PALLD (palladin, cytoskeletal associated protein; plus strand). Cytogenetic location: 4q32.3.
Variant type: single nucleotide variant.
Coding change: c.2677C>T on transcript NM_001166108.2 (MANE Select); coding-DNA position 2677, C replaced by T.
Protein change: p.Arg893Ter; replaces arginine 893 with a stop codon.
Molecular consequence: nonsense.
Genome position (GRCh38, 1-based): chr4:168,913,981, C>T. VCF-style: chr4-168913981-C-T. GRCh37 (hg19) VCF-style: chr4-169835132-C-T.
Other names: c.556C>T, p.Arg186Ter (NM_001367570.1, NM_001367568.1); c.2626C>T, p.Arg876Ter (NM_016081.4); c.1480C>T, p.Arg494Ter (NM_001166109.2); c.1165C>T, p.Arg389Ter (NM_001166110.2); c.505C>T, p.Arg169Ter (NM_001367567.1, NM_001367569.1); short protein forms R893*, R389*, R876*, R186*, R169*, R494*.
Identifiers: ClinVar variation 4841849 (VCV004841849.1).